The following is an entry in ClinVar:

ClinVar aggregate classification (germline): Uncertain significance (1 of 4 stars; one submission).

Allele frequency attached by ClinVar (database versions not stated): gnomAD exomes below 0.00001; TOPMed below 0.00001; ExAC 0.00001; gnomAD 0.00001.
gnomAD v4.1: 4 of 1,614,048 alleles (0.00025%); highest among the groups gnomAD compares: Admixed American, 0.0067%; no homozygotes.

Submission:

Labcorp Genetics (formerly Invitae), Labcorp
Classification: Uncertain significance. Last evaluated: 2022-09-01. Review status: criteria provided, single submitter. Criteria: Invitae Variant Classification Sherloc (09022015). Collection method: clinical testing. Allele origin: germline.
Comment: This sequence change replaces phenylalanine, which is neutral and non-polar, with cysteine, which is neutral and slightly polar, at codon 287 of the UBE3B protein (p.Phe287Cys). This variant is present in population databases (rs767374794, gnomAD 0.006%). This variant has not been reported in the literature in individuals affected with UBE3B-related conditions. Algorithms developed to predict the effect of missense changes on protein structure and function (SIFT, PolyPhen-2, Align-GVGD) all suggest that this variant is likely to be tolerated. In summary, the available evidence is currently insufficient to determine the role of this variant in disease. Therefore, it has been classified as a Variant of Uncertain Significance.

NM_130466.4(UBE3B):c.860T>G (p.Phe287Cys)

Gene: UBE3B (ubiquitin protein ligase E3B; plus strand). Cytogenetic location: 12q24.11.
Variant type: single nucleotide variant.
Coding change: c.860T>G on transcript NM_130466.4 (MANE Select); coding-DNA position 860, T replaced by G.
Protein change: p.Phe287Cys; replaces phenylalanine 287 with cysteine.
Molecular consequence: missense variant.
Genome position (GRCh38, 1-based): chr12:109,498,273, T>G. VCF-style: chr12-109498273-T-G. GRCh37 (hg19) VCF-style: chr12-109936078-T-G.
Other names: c.860T>G, p.Phe287Cys (NM_183415.3); short protein forms F287C.
Identifiers: ClinVar variation 1971859 (VCV001971859.4), dbSNP rs767374794, ClinGen allele CA6777727.